The following is an entry in ClinVar:

ClinVar aggregate classification (germline): Uncertain significance. Review status: criteria provided, multiple submitters, no conflicts (2 of 4 stars). 2 submissions from 2 submitters: Uncertain significance (2). Last evaluated 2026-02-17.

Conditions:
ARID5A-related disorder. Also called: ARID5A-related condition.

gnomAD v4.1: 373 of 1,613,610 alleles (0.023%); highest among the groups gnomAD compares: Non-Finnish European, 0.029%; no homozygotes.

Submissions (2):

PreventionGenetics, part of Exact Sciences
Classification: Uncertain significance for ARID5A-related condition. Last evaluated: 2026-02-17. Review status: criteria provided, single submitter. Criteria: ACMG Guidelines, 2015. Collection method: clinical testing. Allele origin: germline.
Comment: The ARID5A c.778C>T variant is predicted to result in the amino acid substitution p.Leu260Phe. To our knowledge, this variant has not been reported in the literature. This variant is reported in 0.019% of alleles in individuals of European (Non-Finnish) descent in gnomAD. Although we suspect that this variant may be benign, at this time, the clinical significance of this variant is uncertain due to the absence of conclusive functional and genetic evidence.

Ambry Genetics
Classification: Uncertain significance. Last evaluated: 2024-10-01. Review status: criteria provided, single submitter. Criteria: Ambry Variant Classification Scheme 2023. Collection method: clinical testing. Allele origin: germline.

NM_212481.3(ARID5A):c.616C>T (p.Leu206Phe)

Gene: ARID5A (AT-rich interaction domain 5A; plus strand). Cytogenetic location: 2q11.2.
Variant type: single nucleotide variant.
Coding change: c.616C>T on transcript NM_212481.3 (MANE Select); coding-DNA position 616, C replaced by T.
Protein change: p.Leu206Phe; replaces leucine 206 with phenylalanine.
Molecular consequence: missense variant.
Genome position (GRCh38, 1-based): chr2:96,551,144, C>T. VCF-style: chr2-96551144-C-T. GRCh37 (hg19) VCF-style: chr2-97216881-C-T.
Other names: c.778C>T (NM_001319085.1); c.778C>T, p.Leu260Phe (NM_001319085.2); c.775C>T, p.Leu259Phe (NM_001319087.2); c.412C>T, p.Leu138Phe (NM_001319092.1); c.124C>T, p.Leu42Phe (NM_001319093.2, NM_001319094.2, NM_001319096.2); short protein forms L206F, L42F, L259F, L138F, L260F.
Identifiers: ClinVar variation 3429707 (VCV003429707.2).